The following is an entry in ClinVar:

NM_001303052.2(MYT1L):c.2061C>T (p.Pro687=)

Gene: MYT1L (myelin transcription factor 1 like; minus strand). Cytogenetic location: 2p25.3.
Variant type: single nucleotide variant.
Coding change: c.2061C>T on transcript NM_001303052.2 (MANE Select); coding-DNA position 2061, C replaced by T.
Protein change: p.Pro687=; no amino-acid change (proline 687 retained).
Molecular consequence: synonymous variant.
Genome position (GRCh38, 1-based): chr2:1,892,259, G>A on the plus strand (C>T on the coding strand, the complement: MYT1L is on the minus strand). VCF-style: chr2-1892259-G-A. GRCh37 (hg19) VCF-style: chr2-1896031-G-A.
Other names: c.2061C>T (NM_001303052.1); c.2061C>T, p.Pro687= (NM_001329844.2, NM_001329845.1, NM_001329851.3); c.2055C>T, p.Pro685= (NM_001329846.3, NM_001329847.2, NM_001329848.1 and 3 more transcripts).
Identifiers: ClinVar variation 1257128 (VCV001257128.7), dbSNP rs921285220, ClinGen allele CA41449718.

ClinVar aggregate classification (germline): Benign/Likely benign. Review status: criteria provided, multiple submitters, no conflicts (2 of 4 stars). 3 submissions from 3 submitters: Benign (1); Likely benign (2). Last evaluated 2026-01-01.

Conditions:
MYT1L-related disorder. Also called: MYT1L-related condition.

Allele frequency attached by ClinVar (database versions not stated): gnomAD exomes 0.00005 and 0.00027; gnomAD 0.00009; TOPMed 0.00027.
gnomAD v4.1: 79 of 1,549,382 alleles (0.0051%); highest among the groups gnomAD compares: Admixed American, 0.12%; no homozygotes.

Submissions (3):

CeGaT Center for Human Genetics Tuebingen
Classification: Likely benign. Last evaluated: 2026-01-01. Review status: criteria provided, single submitter. Criteria: CeGaT Center For Human Genetics Tuebingen Variant Classification Criteria Version 2. Collection method: clinical testing. Allele origin: germline. Affected: yes. Observed: 1 variant allele.
Comment: MYT1L: BP4, BP7

PreventionGenetics, part of Exact Sciences
Classification: Likely benign for MYT1L-related condition. Last evaluated: 2024-10-24. Review status: criteria provided, single submitter. Criteria: ACMG Guidelines, 2015. Collection method: clinical testing. Allele origin: germline.
Comment: This variant is classified as likely benign based on ACMG/AMP sequence variant interpretation guidelines (Richards et al. 2015 PMID: 25741868, with internal and published modifications).

GeneDx
Classification: Benign. Last evaluated: 2020-03-24. Review status: criteria provided, single submitter. Criteria: GeneDx Variant Classification Process June 2021. Collection method: clinical testing. Allele origin: germline. Affected: yes.